The following is an entry in ClinVar:

ClinVar aggregate classification (germline): Conflicting classifications of pathogenicity. Review status: criteria provided, conflicting classifications (1 of 4 stars). 5 submissions from 1 submitter: Uncertain significance (3); Benign (2). Last evaluated 2018-01-13.

Conditions:
Early-onset myopathy with fatal cardiomyopathy (CMYO5). Also called: CONGENITAL MYOPATHY 5 WITH CARDIOMYOPATHY; Salih Myopathy. Identifiers: Orphanet 289377, MedGen C2673677, MONDO:0012714, OMIM 611705. Disease mechanism: loss of function.
Myopathy, myofibrillar, 9, with early respiratory failure (MFM9). Also called: Myopathy, distal, with early respiratory failure, autosomal dominant; Hereditary myopathy with early respiratory failure; EDSTROM MYOPATHY; MYOPATHY, PROXIMAL, WITH EARLY RESPIRATORY MUSCLE INVOLVEMENT. Identifiers: Orphanet 178464, Orphanet 34521, MedGen C1863599, MONDO:0011362, OMIM 603689.
Autosomal recessive limb-girdle muscular dystrophy type 2J (LGMDR10). Also called: MUSCULAR DYSTROPHY, LIMB-GIRDLE, AUTOSOMAL RECESSIVE 10; Limb-girdle muscular dystrophy, type 2J. Identifiers: Orphanet 140922, MedGen C1837342, MONDO:0012127, OMIM 608807.
Tibial muscular dystrophy (TMD). Also called: Udd Distal Myopathy – Tibial Muscular Dystrophy; UDD MYOPATHY; Tibial muscular dystrophy, tardive. Identifiers: Orphanet 609, MedGen C1838244, MONDO:0010870, OMIM 600334.
Dilated cardiomyopathy 1G (CMD1G). Identifiers: Orphanet 154, MedGen C1858763, MONDO:0011400, OMIM 604145.

Allele frequency attached by ClinVar (database versions not stated): gnomAD below 0.00001 and 0.00001; gnomAD exomes 0.00005 and 0.00008; ExAC 0.00011.
gnomAD v4.1: 70 of 1,613,438 alleles (0.0043%); highest among the groups gnomAD compares: South Asian, 0.074%; no homozygotes.

Submissions (5):

Illumina Laboratory Services, Illumina
Classification: Uncertain significance for Early-onset myopathy with fatal cardiomyopathy. Last evaluated: 2018-01-13. Review status: criteria provided, single submitter. Criteria: ICSL Variant Classification Criteria 13 December 2019. Collection method: clinical testing. Allele origin: germline.

Illumina Laboratory Services, Illumina
Classification: Uncertain significance for Autosomal recessive limb-girdle muscular dystrophy type 2J. Last evaluated: 2018-01-13. Review status: criteria provided, single submitter. Criteria: ICSL Variant Classification Criteria 13 December 2019. Collection method: clinical testing. Allele origin: germline.

Illumina Laboratory Services, Illumina
Classification: Benign for Tibial muscular dystrophy. Last evaluated: 2018-01-13. Review status: criteria provided, single submitter. Criteria: ICSL Variant Classification Criteria 13 December 2019. Collection method: clinical testing. Allele origin: germline.
Comment: This variant was observed in the ICSL laboratory as part of a predisposition screen in an ostensibly healthy population. It had not been previously curated by ICSL or reported in the Human Gene Mutation Database (HGMD: prior to June 1st, 2018), and was therefore a candidate for classification through an automated scoring system. Utilizing variant allele frequency, disease prevalence and penetrance estimates, and inheritance mode, an automated score was calculated to assess if this variant is too frequent to cause the disease. Based on the score and internal cut-off values, a variant classified as benign is not then subjected to further curation. The score for this variant resulted in a classification of benign for this disease.

Illumina Laboratory Services, Illumina
Classification: Uncertain significance for Dilated cardiomyopathy 1G. Last evaluated: 2018-01-13. Review status: criteria provided, single submitter. Criteria: ICSL Variant Classification Criteria 13 December 2019. Collection method: clinical testing. Allele origin: germline.

Illumina Laboratory Services, Illumina
Classification: Benign for Myopathy, myofibrillar, 9, with early respiratory failure. Last evaluated: 2018-01-13. Review status: criteria provided, single submitter. Criteria: ICSL Variant Classification Criteria 13 December 2019. Collection method: clinical testing. Allele origin: germline.
Comment: the same text as in the submission from Illumina Laboratory Services, Illumina above.

NM_001267550.2(TTN):c.99239G>A (p.Gly33080Glu)

Genes: TTN (titin; minus strand), TTN-AS1 (TTN antisense RNA 1; plus strand). Cytogenetic location: 2q31.2.
Variant type: single nucleotide variant.
Coding change: c.99239G>A on transcript NM_001267550.2 (MANE Select); coding-DNA position 99239, G replaced by A.
Protein change: p.Gly33080Glu; replaces glycine 33080 with glutamic acid.
Molecular consequence: missense variant.
Genome position (GRCh38, 1-based): chr2:178,538,590, C>T on the plus strand (G>A on the coding strand, the complement: TTN is on the minus strand). VCF-style: chr2-178538590-C-T. GRCh37 (hg19) VCF-style: chr2-179403317-C-T.
Other names: c.94316G>A, p.Gly31439Glu (NM_001256850.1); c.72044G>A, p.Gly24015Glu (NM_003319.4); c.91535G>A, p.Gly30512Glu (NM_133378.4); c.72419G>A, p.Gly24140Glu (NM_133432.3); c.72620G>A, p.Gly24207Glu (NM_133437.4); short protein forms G30512E, G33080E, G24207E, G24015E, G24140E, G31439E.
Identifiers: ClinVar variation 332709 (VCV000332709.5), dbSNP rs762905152, ClinGen allele CA1986235.